The following is an entry in ClinVar:

ClinVar aggregate classification (germline): Uncertain significance (1 of 4 stars; one submission).

Conditions:
Autosomal dominant nonsyndromic hearing loss 1. Also called: DEAFNESS, AUTOSOMAL DOMINANT 1, WITH OR WITHOUT THROMBOCYTOPENIA; KONIGSMARK SYNDROME. Identifiers: Orphanet 90635, MedGen C1852282, MONDO:0007424, OMIM 124900.
Progressive microcephaly-seizures-cortical blindness-developmental delay syndrome. Also called: Seizures, cortical blindness, and microcephaly syndrome. Identifiers: Orphanet 477814, MedGen C5567650, MONDO:0014714, OMIM 616632.

Submission:

Labcorp Genetics (formerly Invitae), Labcorp
Classification: Uncertain significance for Progressive microcephaly-seizures-cortical blindness-developmental delay syndrome; Autosomal dominant nonsyndromic hearing loss 1. Last evaluated: 2019-12-15. Review status: criteria provided, single submitter. Criteria: Invitae Variant Classification Sherloc (09022015). Collection method: clinical testing. Allele origin: germline.
Comment: In summary, the available evidence is currently insufficient to determine the role of this variant in disease. Therefore, it has been classified as a Variant of Uncertain Significance. Experimental studies and prediction algorithms are not available or were not evaluated, and the functional significance of this variant is currently unknown. This variant has not been reported in the literature in individuals with DIAPH1-related conditions. This variant is not present in population databases (ExAC no frequency). This sequence change replaces cysteine with serine at codon 314 of the DIAPH1 protein (p.Cys314Ser). The cysteine residue is moderately conserved and there is a moderate physicochemical difference between cysteine and serine.

NM_005219.5(DIAPH1):c.941G>C (p.Cys314Ser)

Gene: DIAPH1 (diaphanous related formin 1; minus strand). Cytogenetic location: 5q31.3.
Variant type: single nucleotide variant.
Coding change: c.941G>C on transcript NM_005219.5 (MANE Select); coding-DNA position 941, G replaced by C.
Protein change: p.Cys314Ser; replaces cysteine 314 with serine.
Molecular consequence: missense variant.
Genome position (GRCh38, 1-based): chr5:141,578,618, C>G on the plus strand (G>C on the coding strand, the complement: DIAPH1 is on the minus strand). VCF-style: chr5-141578618-C-G. GRCh37 (hg19) VCF-style: chr5-140958185-C-G.
Other names: c.914G>C, p.Cys305Ser (NM_001079812.3); c.941G>C, p.Cys314Ser (NM_001314007.2); short protein forms C305S, C314S.
Identifiers: ClinVar variation 860879 (VCV000860879.12), dbSNP rs2099896293, ClinGen allele CA361532931.